The following is an entry in ClinVar:

NC_000002.11:g.(?_31595262)_(31600062_?)del

Gene: XDH (xanthine dehydrogenase; minus strand). Cytogenetic location: 2p23.1.
Variant type: Deletion.
Identifiers: ClinVar variation 3247317 (VCV003247317.1).

ClinVar aggregate classification (germline): Likely pathogenic (1 of 4 stars; one submission).

Conditions:
Xanthinuria type II. Also called: Xanthine dehydrogenase and aldehyde oxidase combined deficiency of; XDH and AOX dual deficiency. Identifiers: Orphanet 3467, Orphanet 93602, MedGen C1863688, MONDO:0011346, OMIM 603592.

Submission:

Labcorp Genetics (formerly Invitae), Labcorp
Classification: Likely pathogenic for Xanthinuria type II. Last evaluated: 2023-12-11. Review status: criteria provided, single submitter. Criteria: Invitae Variant Classification Sherloc (09022015). Collection method: clinical testing. Allele origin: unknown.
Comment: This variant results in the deletion of exons 15-16 and part of exons 14 and 17 (c.1284_1688del) of the XDH gene. This variant would be expected to be in-frame, preserving the integrity of the reading frame. This variant has not been reported in the literature in individuals affected with XDH-related conditions. In summary, the currently available evidence indicates that the variant is pathogenic, but additional data are needed to prove that conclusively. Therefore, this variant has been classified as Likely Pathogenic.